The following is an entry in ClinVar:

ClinVar aggregate classification (germline): Pathogenic. Review status: criteria provided, multiple submitters, no conflicts (2 of 4 stars). 2 submissions from 2 submitters: Pathogenic (2). Last evaluated 2024-02-08.

Conditions:
Autosomal recessive nonsyndromic hearing loss 12. Also called: DEAFNESS, AUTOSOMAL RECESSIVE 12. Identifiers: Orphanet 90636, MedGen C1832394, MONDO:0011067, OMIM 601386.

Submissions (2):

Labcorp Genetics (formerly Invitae), Labcorp
Classification: Pathogenic. Last evaluated: 2024-02-08. Review status: criteria provided, single submitter. Criteria: Invitae Variant Classification Sherloc (09022015). Collection method: clinical testing. Allele origin: germline.
Comment: This sequence change creates a premature translational stop signal (p.Leu1026Serfs*27) in the CDH23 gene. It is expected to result in an absent or disrupted protein product. Loss-of-function variants in CDH23 are known to be pathogenic (PMID: 11138009, 21940737). This variant is not present in population databases (gnomAD no frequency). This variant has not been reported in the literature in individuals affected with CDH23-related conditions. ClinVar contains an entry for this variant (Variation ID: 1705581). For these reasons, this variant has been classified as Pathogenic.

3billion
Classification: Pathogenic for Autosomal recessive nonsyndromic hearing loss 12. Last evaluated: 2022-09-01. Review status: criteria provided, single submitter. Criteria: ACMG Guidelines, 2015. Collection method: clinical testing. Allele origin: germline. Affected: yes. Observed: 1 heterozygote.
Comment: The variant is not observed in the gnomAD v2.1.1 dataset. Frameshift variant is predicted to result in a loss or disruption of normal protein function through nonsense-mediated decay (NMD) or protein truncation. Multiple pathogenic variants are reported downstream of the variant. The variant has been reported to be associated with CDH23-related disorder (3billion dataset). Therefore, this variant is classified as Pathogenic according to the recommendation of ACMG/AMP guideline.

Literature cited by the submitters: PubMed 11138009 (cited by Labcorp Genetics (formerly Invitae), Labcorp); PubMed 21940737 (cited by Labcorp Genetics (formerly Invitae), Labcorp).

NM_022124.6(CDH23):c.3076del (p.Leu1026fs)

Gene: CDH23 (cadherin related 23; plus strand). Cytogenetic location: 10q22.1.
Variant type: Deletion.
Coding change: c.3076del on transcript NM_022124.6 (MANE Select); coding-DNA position 3076, one base deleted (C; older notation c.3076delC).
Protein change: p.Leu1026fs; shifts the reading frame from leucine 1026.
Molecular consequence: frameshift variant.
Genome position (GRCh38, 1-based): chr10:71,707,019, C deleted; the last of 2 consecutive C bases (chr10:71,707,018-71,707,019); deleting either gives the same sequence. VCF-style (leftmost placement, unchanged base first): chr10-71707017-GC-G. GRCh37 (hg19) VCF-style: chr10-73466774-GC-G.
Other names: c.3076del, p.Leu1026fs (NM_001171930.2, NM_001171931.2); short protein forms L1026fs.
Identifiers: ClinVar variation 1705581 (VCV001705581.3), dbSNP rs2494071047, ClinGen allele CA2580081870.